The following is an entry in ClinVar:

NM_000553.6(WRN):c.1159A>G (p.Met387Val)

Gene: WRN (WRN RecQ like helicase; plus strand). Cytogenetic location: 8p12.
Variant type: single nucleotide variant.
Coding change: c.1159A>G on transcript NM_000553.6 (MANE Select); coding-DNA position 1159, A replaced by G.
Protein change: p.Met387Val; replaces methionine 387 with valine.
Molecular consequence: missense variant.
Genome position (GRCh38, 1-based): chr8:31,081,186, A>G. VCF-style: chr8-31081186-A-G. GRCh37 (hg19) VCF-style: chr8-30938702-A-G.
Other names: short protein forms M387V.
Identifiers: ClinVar variation 528140 (VCV000528140.8), dbSNP rs370136100, ClinGen allele CA4704257.

ClinVar aggregate classification (germline): Uncertain significance (1 of 4 stars; one submission).

Conditions:
Werner syndrome (WRN). Identifiers: Orphanet 902, MedGen C0043119, MONDO:0010196, OMIM 277700.

Allele frequency attached by ClinVar (database versions not stated): ExAC 0.00003; ESP Exome Variant Server 0.00008; TOPMed 0.00001; gnomAD 0.00002; gnomAD exomes 0.00002.
gnomAD v4.1: 38 of 1,613,948 alleles (0.0024%); highest among the groups gnomAD compares: Non-Finnish European, 0.0031%; no homozygotes.

Submission:

Labcorp Genetics (formerly Invitae), Labcorp
Classification: Uncertain significance for Werner syndrome. Last evaluated: 2024-05-06. Review status: criteria provided, single submitter. Criteria: Invitae Variant Classification Sherloc (09022015). Collection method: clinical testing. Allele origin: germline.
Comment: This sequence change replaces methionine, which is neutral and non-polar, with valine, which is neutral and non-polar, at codon 387 of the WRN protein (p.Met387Val). This variant is present in population databases (rs370136100, gnomAD 0.005%). This variant has not been reported in the literature in individuals affected with WRN-related conditions. ClinVar contains an entry for this variant (Variation ID: 528140). An algorithm developed to predict the effect of missense changes on protein structure and function (PolyPhen-2) suggests that this variant is likely to be tolerated. In summary, the available evidence is currently insufficient to determine the role of this variant in disease. Therefore, it has been classified as a Variant of Uncertain Significance.